The following is an entry in ClinVar:

NM_001377.3(DYNC2H1):c.4870_4871del (p.Trp1624fs)

Gene: DYNC2H1 (dynein cytoplasmic 2 heavy chain 1; plus strand). Cytogenetic location: 11q22.3.
Variant type: Deletion.
Coding change: c.4870_4871del on transcript NM_001377.3 (MANE Select); coding-DNA positions 4870 to 4871, 2 bases deleted (TG; older notation c.4870_4871delTG).
Protein change: p.Trp1624fs; shifts the reading frame from tryptophan 1624.
Molecular consequence: frameshift variant.
Genome position (GRCh38, 1-based): chr11:103,168,862-103,168,863, TG deleted. VCF-style (leftmost placement, unchanged base first): chr11-103168861-CTG-C. GRCh37 (hg19) VCF-style: chr11-103039590-CTG-C.
Other names: c.4870_4871del, p.Trp1624fs (NM_001080463.2); short protein forms W1624fs.
Identifiers: ClinVar variation 2831280 (VCV002831280.3), dbSNP rs2497128760, ClinGen allele CA2615743998.

ClinVar aggregate classification (germline): Pathogenic (1 of 4 stars; one submission).

Conditions:
Jeune thoracic dystrophy. Also called: Jeune syndrome; Infantile thoracic dystrophy; Thoracic pelvic phalangeal dystrophy; Jeune's syndrome; Chondroectodermal dysplasia-like syndrome; Short-rib thoracic dysplasia. Identifiers: Orphanet 474, MedGen C0265275, MONDO:0018770.

Allele frequency attached by ClinVar (database versions not stated): gnomAD exomes 0.00001.

Submission:

Labcorp Genetics (formerly Invitae), Labcorp
Classification: Pathogenic for Jeune thoracic dystrophy. Last evaluated: 2023-11-17. Review status: criteria provided, single submitter. Criteria: Invitae Variant Classification Sherloc (09022015). Collection method: clinical testing. Allele origin: germline.
Comment: This sequence change creates a premature translational stop signal (p.Trp1624Glyfs*7) in the DYNC2H1 gene. It is expected to result in an absent or disrupted protein product. Loss-of-function variants in DYNC2H1 are known to be pathogenic (PMID: 23339108, 32753734, 33755199). This variant is not present in population databases (gnomAD no frequency). This variant has not been reported in the literature in individuals affected with DYNC2H1-related conditions. For these reasons, this variant has been classified as Pathogenic.

Literature cited by the submitters: PubMed 23339108; PubMed 32753734; PubMed 33755199.